The following is an entry in ClinVar:

NM_004817.4(TJP2):c.1213_1215del (p.Ile405del)

Gene: TJP2 (tight junction protein 2; plus strand). Cytogenetic location: 9q21.11.
Variant type: Deletion.
Coding change: c.1213_1215del on transcript NM_004817.4 (MANE Select); coding-DNA positions 1213 to 1215, 3 bases deleted (ATT; older notation c.1213_1215delATT).
Protein change: p.Ile405del; deletes isoleucine 405.
Molecular consequence: inframe deletion.
Genome position (GRCh38, 1-based): chr9:69,227,767-69,227,769, ATT deleted; deleting any 3 consecutive bases within chr9:69,227,766-69,227,769 gives the same sequence; the c. name uses the placement nearest the transcript's 3' end. VCF-style (leftmost placement, unchanged base first): chr9-69227765-ATAT-A. GRCh37 (hg19) VCF-style: chr9-71842681-ATAT-A.
Other names: c.1144_1146del, p.Ile382del (NM_001170414.2, NM_001369870.1, NM_001369871.1); c.1225_1227del, p.Ile409del (NM_001170415.1, NM_001369874.1, NM_001369875.1); c.1306_1308del, p.Ile436del (NM_001170416.2); c.1213_1215del, p.Ile405del (NM_001369872.1, NM_001369873.1, NM_201629.3 and 1 more transcripts); c.1144_1146delATT (NM_001170414.2); c.1213_1215del (NM_004817.3); short protein forms I382del, I405del, I409del, I436del.
Identifiers: ClinVar variation 178813 (VCV000178813.19), dbSNP rs727504461, ClinGen allele CA183084.

ClinVar aggregate classification (germline): Conflicting classifications of pathogenicity. Review status: criteria provided, conflicting classifications (1 of 4 stars). 5 submissions from 5 submitters: Uncertain significance (4); Benign (1). Last evaluated 2025-10-11.

Conditions:
Hypercholanemia, familial 1 (FHCA1). Identifiers: Orphanet 238475, MedGen C5542604, MONDO:0031446, OMIM 607748.
Cholestasis, progressive familial intrahepatic, 4. Identifiers: Orphanet 480483, Orphanet 79304, MedGen C2931067, MONDO:0014381, OMIM 615878.

Submissions (5):

Labcorp Genetics (formerly Invitae), Labcorp
Classification: Benign. Last evaluated: 2025-10-11. Review status: criteria provided, single submitter. Criteria: Invitae Variant Classification Sherloc (09022015). Collection method: clinical testing. Allele origin: germline.

GeneDx
Classification: Uncertain significance. Last evaluated: 2025-08-19. Review status: criteria provided, single submitter. Criteria: GeneDx Variant Classification Process June 2021. Collection method: clinical testing. Allele origin: germline.
Comment: In-frame deletion of 1 amino acid in a non-repeat region; In silico analysis supports a deleterious effect on protein structure/function; Has not been previously published as pathogenic or benign to our knowledge

Fulgent Genetics
Classification: Uncertain significance for Hypercholanemia, familial 1; Cholestasis, progressive familial intrahepatic, 4. Last evaluated: 2021-07-15. Review status: criteria provided, single submitter. Criteria: ACMG Guidelines, 2015. Collection method: clinical testing. Allele origin: unknown.

Eurofins Ntd Llc (ga)
Classification: Uncertain significance. Last evaluated: 2014-08-05. Review status: criteria provided, single submitter. Criteria: EGL Classification Definitions 2015. Collection method: clinical testing. Allele origin: germline. Observed: 1 variant allele, 1 heterozygote.

Laboratory for Molecular Medicine, Mass General Brigham Personalized Medicine
Classification: Uncertain significance. Last evaluated: 2013-04-08. Review status: criteria provided, single submitter. Criteria: LMM Criteria. Collection method: clinical testing. Allele origin: germline. Observed: 1 variant allele.
Comment: Variant classified as Uncertain Significance - Favor Benign. The Ile382del varia nt in TJP2 has not been reported in affected individuals, but has been identifie d in 0.07% (6/8254) of European American chromosomes from a broad population by the NHLBI Exome Sequencing Project (dbSNP rs2 01033926). Although this variant has been seen in the general population, its f requency is not high enough to rule out a pathogenic role. This variant causes a n in-frame deletion of a single amino acid isoleucine (Ile)] at position 382 tha t is not highly conserved in mammals and across evolutionarily distant species. In summary, the clinical significance of this variant cannot be determined with certainty; however, based upon its presence in the general population and the la ck of conservation at the amino acid position, we lean towards a more likely ben ign role.